The following is an entry in ClinVar:

NM_001330288.2(SMARCC2):c.319C>T (p.Arg107Trp)

Gene: SMARCC2 (SWI/SNF related BAF chromatin remodeling complex subunit C2; minus strand). Cytogenetic location: 12q13.2.
Variant type: single nucleotide variant.
Coding change: c.319C>T on transcript NM_001330288.2 (MANE Select); coding-DNA position 319, C replaced by T.
Protein change: p.Arg107Trp; replaces arginine 107 with tryptophan.
Molecular consequence: missense variant.
Genome position (GRCh38, 1-based): chr12:56,185,110, G>A on the plus strand (C>T on the coding strand, the complement: SMARCC2 is on the minus strand). VCF-style: chr12-56185110-G-A. GRCh37 (hg19) VCF-style: chr12-56578894-G-A.
Other names: c.319C>T, p.Arg107Trp (NM_001130420.3, NM_003075.5, NM_139067.4); short protein forms R107W.
Identifiers: ClinVar variation 3027197 (VCV003027197.22), dbSNP rs2540960473, ClinGen allele CA385265642.

ClinVar aggregate classification (germline): Uncertain significance (1 of 4 stars; one submission).

Allele frequency attached by ClinVar (database versions not stated): gnomAD exomes below 0.00001.
gnomAD v4.1: 3 of 1,613,250 alleles (0.00019%); highest among the groups gnomAD compares: South Asian, 0.0011%; no homozygotes.

Submission:

CeGaT Center for Human Genetics Tuebingen
Classification: Uncertain significance. Last evaluated: 2024-02-01. Review status: criteria provided, single submitter. Criteria: CeGaT Center For Human Genetics Tuebingen Variant Classification Criteria Version 2. Collection method: clinical testing. Allele origin: germline. Affected: yes. Observed: 1 variant allele.
Comment: SMARCC2: PM2, PS2:Moderate